The following is an entry in ClinVar:

ClinVar aggregate classification (germline): Likely pathogenic (1 of 4 stars; one submission).

Conditions:
Mega-corpus-callosum syndrome with cerebellar hypoplasia and cortical malformations. Identifiers: MedGen C4748927, MONDO:0032648, OMIM 618273.

Submission:

Victorian Clinical Genetics Services, Murdoch Childrens Research Institute
Classification: Likely pathogenic for Mega-corpus-callosum syndrome with cerebellar hypoplasia and cortical malformations. Last evaluated: 2022-02-02. Review status: criteria provided, single submitter. Criteria: ACMG Guidelines, 2015. Collection method: clinical testing. Allele origin: germline. Inheritance: Autosomal dominant inheritance. Affected: yes.
Comment: Based on the classification scheme VCGS_Germline_v1.3.4, this variant is classified as Likely pathogenic. Following criteria are met: 0105 - The mechanism of disease for this gene is not clearly established. However, gain of function and dominant negative have been reported (PMIDs: 30449657, 32198973). (I) 0107 - This gene is associated with autosomal dominant disease. (I) 0115 - Variants in this gene are known to have variable expressivity, in terms of the presence of brain abnormalities on neurological imaging (PMID:32198973). (I) 0200 - Variant is predicted to result in a missense amino acid change from glutamic acid to glutamine. (I) 0251 - This variant is heterozygous. (I) 0301 - Variant is absent from gnomAD (both v2 and v3). (SP) 0502 - Missense variant with conflicting in silico predictions and uninformative conservation. (I) 0603 - Missense variant in a region that is highly intolerant to missense variation (high constraint region in DECIPHER). (SP) 0705 - No comparable missense variants have previous evidence for pathogenicity. (I) 0807 - This variant has no previous evidence of pathogenicity. (I) 0905 - No published segregation evidence has been identified for this variant. (I) 1007 - No published functional evidence has been identified for this variant. (SP) Legend: (SP) - Supporting pathogenic, (I) - Information, (SB) - Supporting benign

Literature cited by the submitters: PubMed 30449657; PubMed 32198973.

NM_014975.3(MAST1):c.1594G>C (p.Glu532Gln)

Gene: MAST1 (microtubule associated serine/threonine kinase 1; plus strand). Cytogenetic location: 19p13.13.
Variant type: single nucleotide variant.
Coding change: c.1594G>C on transcript NM_014975.3 (MANE Select); coding-DNA position 1594, G replaced by C.
Protein change: p.Glu532Gln; replaces glutamic acid 532 with glutamine.
Molecular consequence: missense variant.
Genome position (GRCh38, 1-based): chr19:12,865,134, G>C. VCF-style: chr19-12865134-G-C. GRCh37 (hg19) VCF-style: chr19-12975948-G-C.
Other names: short protein forms E532Q.
Identifiers: ClinVar variation 1805144 (VCV001805144.1), dbSNP rs2512536694, ClinGen allele CA404272254.